The following is an entry in ClinVar:

NM_000789.4(ACE):c.209C>T (p.Ala70Val)

Gene: ACE (angiotensin I converting enzyme; plus strand). Cytogenetic location: 17q23.3.
Variant type: single nucleotide variant.
Coding change: c.209C>T on transcript NM_000789.4 (MANE Select); coding-DNA position 209, C replaced by T.
Protein change: p.Ala70Val; replaces alanine 70 with valine.
Molecular consequence: missense variant. On other transcripts: 5 prime UTR variant (2).
Genome position (GRCh38, 1-based): chr17:63,477,303, C>T. VCF-style: chr17-63477303-C-T. GRCh37 (hg19) VCF-style: chr17-61554664-C-T.
Other names: c.-27C>T (NM_001382700.1); c.-406C>T (NM_001382701.1); c.209C>T (NM_000789.3); short protein forms A70V.
Identifiers: ClinVar variation 1050036 (VCV001050036.11), dbSNP rs372565955, ClinGen allele CA8698963.

ClinVar aggregate classification (germline): Likely benign. Review status: criteria provided, single submitter (1 of 4 stars). 3 submissions from 3 submitters: Likely benign (1). 2 of the submissions do not count toward it. Last evaluated 2025-11-01.

Conditions:
ACE-related disorder. Also called: ACE-related condition; ACE-related disorders.

Allele frequency attached by ClinVar (database versions not stated): gnomAD 0.00142 and 0.00152; ESP Exome Variant Server 0.00149; 1000 Genomes Project 0.00080; TOPMed 0.00157; gnomAD exomes 0.00017; ExAC 0.00043; 1000 Genomes Project 30x 0.00062.
gnomAD v4.1: 347 of 1,435,126 alleles (0.024%); highest among the groups gnomAD compares: African/African-American, 0.46%; 3 homozygotes.

Submissions (3):

Labcorp Genetics (formerly Invitae), Labcorp
Classification: Likely benign. Last evaluated: 2025-11-01. Review status: criteria provided, single submitter. Criteria: Invitae Variant Classification Sherloc (09022015). Collection method: clinical testing. Allele origin: germline.

PreventionGenetics, part of Exact Sciences
Classification: Likely benign for ACE-related condition. Last evaluated: 2023-11-16. Review status: no assertion criteria provided. Collection method: clinical testing. Allele origin: germline. Not counted in ClinVar's aggregate classification.
Comment: This variant is classified as likely benign based on ACMG/AMP sequence variant interpretation guidelines (Richards et al. 2015 PMID: 25741868, with internal and published modifications).

Department of Pathology and Laboratory Medicine, Sinai Health System
Classification: Uncertain significance. Review status: no assertion criteria provided. Collection method: clinical testing. Allele origin: unknown. Affected: yes. Study: The Canadian Open Genetics Repository (COGR). Not counted in ClinVar's aggregate classification.
Comment: The ACE p.Ala70Val variant was not identified in the literature nor was it identified in ClinVar, Cosmic or LOVD 3.0. The variant was identified in dbSNP (ID: rs372565955) and in control databases in 57 of 132246 chromosomes at a frequency of 0.000431 (Genome Aggregation Database Feb 27, 2017). The variant was observed in the following populations: African in 50 of 11230 chromosomes (freq: 0.004452) and Latino in 7 of 18302 chromosomes (freq: 0.000383), while the variant was not observed in the Ashkenazi Jewish, East Asian, European (Finnish), European (non-Finnish), Other, or South Asian populations. The p.Ala70 residue is conserved in mammals and computational analyses (PolyPhen-2, SIFT, AlignGVGD, BLOSUM, MutationTaster) provide inconsistent predictions regarding the impact to the protein; this information is not very predictive of pathogenicity. The variant occurs outside of the splicing consensus sequence and in silico or computational prediction software programs (SpliceSiteFinder, MaxEntScan, NNSPLICE, GeneSplicer) do not predict a difference in splicing. In summary, based on the above information the clinical significance of this variant cannot be determined with certainty at this time. This variant is classified as a variant of uncertain significance.